The following is an entry in ClinVar:

ClinVar aggregate classification (germline): Uncertain significance (1 of 4 stars; one submission).

Conditions:
Ataxia-telangiectasia syndrome (AT). Also called: AT, COMPLEMENTATION GROUP C; Ataxia telangiectasia (A-T); LOUIS-BAR SYNDROME; Ataxia-telangiectasia, complementation group D; Ataxia-telangiectasia, complementation group E; ATAXIA-TELANGIECTASIA, COMPLEMENTATION GROUP A. Identifiers: Orphanet 100, MedGen C0004135, MONDO:0008840, OMIM 208900.

Allele frequency attached by ClinVar (database versions not stated): gnomAD exomes below 0.00001.
gnomAD v4.1: 1 of 1,612,650 alleles (0.000062%); highest among the groups gnomAD compares: Non-Finnish European, 0.000085%; no homozygotes.

Submission:

Labcorp Genetics (formerly Invitae), Labcorp
Classification: Uncertain significance for Ataxia-telangiectasia syndrome. Last evaluated: 2023-07-06. Review status: criteria provided, single submitter. Criteria: Invitae Variant Classification Sherloc (09022015). Collection method: clinical testing. Allele origin: germline.
Comment: This sequence change replaces glutamine, which is neutral and polar, with arginine, which is basic and polar, at codon 69 of the ATM protein (p.Gln69Arg). This variant is not present in population databases (gnomAD no frequency). This variant has not been reported in the literature in individuals affected with ATM-related conditions. ClinVar contains an entry for this variant (Variation ID: 2109903). Advanced modeling of protein sequence and biophysical properties (such as structural, functional, and spatial information, amino acid conservation, physicochemical variation, residue mobility, and thermodynamic stability) performed at Invitae indicates that this missense variant is not expected to disrupt ATM protein function. In summary, the available evidence is currently insufficient to determine the role of this variant in disease. Therefore, it has been classified as a Variant of Uncertain Significance.

NM_000051.4(ATM):c.206A>G (p.Gln69Arg)

Gene: ATM (ATM serine/threonine kinase; plus strand). Cytogenetic location: 11q22.3.
Variant type: single nucleotide variant.
Coding change: c.206A>G on transcript NM_000051.4 (MANE Select); coding-DNA position 206, A replaced by G.
Protein change: p.Gln69Arg; replaces glutamine 69 with arginine.
Molecular consequence: missense variant.
Genome position (GRCh38, 1-based): chr11:108,229,198, A>G. VCF-style: chr11-108229198-A-G. GRCh37 (hg19) VCF-style: chr11-108099925-A-G.
Other names: c.206A>G, p.Gln69Arg (NM_001351834.2, NM_001351835.2, NM_001351836.2); short protein forms Q69R.
Identifiers: ClinVar variation 2109903 (VCV002109903.4), dbSNP rs1591451524, ClinGen allele CA382521265.
Genomic context (GRCh38, chr11:108,229,198, plus strand): 5'-ATTCAACGAGTTTCTGAAATTGCATTTTGTTTTCTTGAAGATTTTTACAGAAATATATTC[A>G]GAAAGAAACAGAATGTCTGAGAATAGCAAAACCAAATGTATCAGCCTCAACACAAGCCTC-3'
Protein context (NP_000042.3, residues 59-79): AVFRFLQKYI[Gln69Arg]KETECLRIAK